The following is an entry in ClinVar:

NM_001128840.3(CACNA1D):c.3862G>A (p.Glu1288Lys)

Gene: CACNA1D (calcium voltage-gated channel subunit alpha1 D; plus strand). Cytogenetic location: 3p21.1.
Variant type: single nucleotide variant.
Coding change: c.3862G>A on transcript NM_001128840.3 (MANE Select); coding-DNA position 3862, G replaced by A.
Protein change: p.Glu1288Lys; replaces glutamic acid 1288 with lysine.
Molecular consequence: missense variant.
Genome position (GRCh38, 1-based): chr3:53,762,073, G>A. VCF-style: chr3-53762073-G-A. GRCh37 (hg19) VCF-style: chr3-53796100-G-A.
Other names: c.3922G>A, p.Glu1308Lys (NM_000720.4); c.3862G>A, p.Glu1288Lys (NM_001128839.3); short protein forms E1308K, E1288K.
Identifiers: ClinVar variation 504961 (VCV000504961.11), dbSNP rs781171340, ClinGen allele CA2454704.

ClinVar aggregate classification (germline): Uncertain significance. Review status: criteria provided, multiple submitters, no conflicts (2 of 4 stars). 2 submissions from 2 submitters: Uncertain significance (2). Last evaluated 2021-05-13.

Allele frequency attached by ClinVar (database versions not stated): gnomAD 0.00001; gnomAD exomes 0.00001.

Submissions (2):

Labcorp Genetics (formerly Invitae), Labcorp
Classification: Uncertain significance. Last evaluated: 2021-05-13. Review status: criteria provided, single submitter. Criteria: Invitae Variant Classification Sherloc (09022015). Collection method: clinical testing. Allele origin: germline.
Comment: In summary, the available evidence is currently insufficient to determine the role of this variant in disease. Therefore, it has been classified as a Variant of Uncertain Significance. Algorithms developed to predict the effect of missense changes on protein structure and function (SIFT, PolyPhen-2, Align-GVGD) all suggest that this variant is likely to be tolerated, but these predictions have not been confirmed by published functional studies and their clinical significance is uncertain. This variant has not been reported in the literature in individuals with CACNA1D-related conditions. ClinVar contains an entry for this variant (Variation ID: 504961). This variant is present in population databases (rs781171340, ExAC 0.02%). This sequence change replaces glutamic acid with lysine at codon 1308 of the CACNA1D protein (p.Glu1308Lys). The glutamic acid residue is highly conserved and there is a small physicochemical difference between glutamic acid and lysine.

Laboratory for Molecular Medicine, Mass General Brigham Personalized Medicine
Classification: Uncertain significance. Last evaluated: 2016-05-02. Review status: criteria provided, single submitter. Criteria: LMM Criteria. Collection method: clinical testing. Allele origin: germline. Observed: 1 variant allele.
Comment: The p.Glu1308Lys variant in CACNA1D has not been previously reported in individu als with hearing loss, but has been identified in 3/16504 of South Asian chromos omes by the Exome Aggregation Consortium (ExAC; dbSNP rs781171340). Computational prediction tools and conservation analysis do not provide strong support for or against an impact to the protein. In summary, the clinical significance of the p.Glu1308Lys variant is uncertain.